The following is an entry in ClinVar:

ClinVar aggregate classification (germline): Uncertain significance (1 of 4 stars; one submission).

Conditions:
Early-infantile DEE. Also called: Early infantile epileptic encephalopathy; Early infantile epileptic encephalopathy with suppression bursts; Ohtahara syndrome. Identifiers: Orphanet 1934, MedGen C0393706, MONDO:0800491.

Allele frequency attached by ClinVar (database versions not stated): gnomAD exomes below 0.00001; ExAC 0.00001; TOPMed below 0.00001.
gnomAD v4.1: 4 of 1,614,148 alleles (0.00025%); highest among the groups gnomAD compares: East Asian, 0.0089%; no homozygotes.

Submission:

Labcorp Genetics (formerly Invitae), Labcorp
Classification: Uncertain significance for Early-infantile DEE. Last evaluated: 2024-01-07. Review status: criteria provided, single submitter. Criteria: Invitae Variant Classification Sherloc (09022015). Collection method: clinical testing. Allele origin: germline.
Comment: This sequence change replaces leucine, which is neutral and non-polar, with methionine, which is neutral and non-polar, at codon 250 of the KCNH5 protein (p.Leu250Met). This variant is present in population databases (rs750567842, gnomAD 0.01%). This variant has not been reported in the literature in individuals affected with KCNH5-related conditions. Advanced modeling of protein sequence and biophysical properties (such as structural, functional, and spatial information, amino acid conservation, physicochemical variation, residue mobility, and thermodynamic stability) performed at Invitae indicates that this missense variant is not expected to disrupt KCNH5 protein function with a negative predictive value of 80%. In summary, the available evidence is currently insufficient to determine the role of this variant in disease. Therefore, it has been classified as a Variant of Uncertain Significance.

NM_139318.5(KCNH5):c.748C>A (p.Leu250Met)

Gene: KCNH5 (potassium voltage-gated channel subfamily H member 5; minus strand). Cytogenetic location: 14q23.2.
Variant type: single nucleotide variant.
Coding change: c.748C>A on transcript NM_139318.5 (MANE Select); coding-DNA position 748, C replaced by A.
Protein change: p.Leu250Met; replaces leucine 250 with methionine.
Molecular consequence: missense variant.
Genome position (GRCh38, 1-based): chr14:62,981,066, G>T on the plus strand (C>A on the coding strand, the complement: KCNH5 is on the minus strand). VCF-style: chr14-62981066-G-T. GRCh37 (hg19) VCF-style: chr14-63447784-G-T.
Other names: c.748C>A, p.Leu250Met (NM_172375.3); short protein forms L250M.
Identifiers: ClinVar variation 2723204 (VCV002723204.3), dbSNP rs750567842, ClinGen allele CA7217599.